The following is an entry in ClinVar:

NM_182961.4(SYNE1):c.742A>G (p.Thr248Ala)

Gene: SYNE1 (spectrin repeat containing nuclear envelope protein 1; minus strand). Cytogenetic location: 6q25.2.
Variant type: single nucleotide variant.
Coding change: c.742A>G on transcript NM_182961.4 (MANE Select); coding-DNA position 742, A replaced by G.
Protein change: p.Thr248Ala; replaces threonine 248 with alanine.
Molecular consequence: missense variant.
Genome position (GRCh38, 1-based): chr6:152,505,237, T>C on the plus strand (A>G on the coding strand, the complement: SYNE1 is on the minus strand). VCF-style: chr6-152505237-T-C. GRCh37 (hg19) VCF-style: chr6-152826372-T-C.
Other names: c.763A>G, p.Thr255Ala (NM_033071.5); short protein forms T248A, T255A.
Identifiers: ClinVar variation 1422625 (VCV001422625.6), dbSNP rs2154331462, ClinGen allele CA366148558.

ClinVar aggregate classification (germline): Uncertain significance (1 of 4 stars; one submission).

Conditions:
Emery-Dreifuss muscular dystrophy 4, autosomal dominant (EDMD4). Also called: EMERY-DREIFUSS MUSCULAR DYSTROPHY 4 WITH VARIABLE FEATURES. Identifiers: Orphanet 261, MedGen C2751807, MONDO:0013071, OMIM 612998.
Autosomal recessive ataxia, Beauce type. Also called: Spinocerebellar ataxia, autosomal recessive 8; ATAXIA, RECESSIVE, OF BEAUCE; SYNE1 Deficiency; SYNE1-Related Autosomal Recessive Cerebellar Ataxia. Identifiers: Orphanet 88644, MedGen C1853116, MONDO:0012549, OMIM 610743.

Submission:

Labcorp Genetics (formerly Invitae), Labcorp
Classification: Uncertain significance for Emery-Dreifuss muscular dystrophy 4, autosomal dominant; Autosomal recessive ataxia, Beauce type. Last evaluated: 2025-07-07. Review status: criteria provided, single submitter. Criteria: Invitae Variant Classification Sherloc (09022015). Collection method: clinical testing. Allele origin: germline.
Comment: This sequence change replaces threonine, which is neutral and polar, with alanine, which is neutral and non-polar, at codon 255 of the SYNE1 protein (p.Thr255Ala). This variant is not present in population databases (gnomAD no frequency). This variant has not been reported in the literature in individuals affected with SYNE1-related conditions. ClinVar contains an entry for this variant (Variation ID: 1422625). An algorithm developed to predict the effect of missense changes on protein structure and function (PolyPhen-2) suggests that this variant is likely to be tolerated. In summary, the available evidence is currently insufficient to determine the role of this variant in disease. Therefore, it has been classified as a Variant of Uncertain Significance.